The following is an entry in ClinVar:

ClinVar aggregate classification (germline): Pathogenic (1 of 4 stars; one submission).

Conditions:
Autism spectrum disorder - epilepsy - arthrogryposis syndrome (AMRS). Identifiers: Orphanet 370943, MedGen C3809910, MONDO:0014248, OMIM 615553.

Allele frequency attached by ClinVar (database versions not stated): gnomAD 0.00001.

Submission:

Labcorp Genetics (formerly Invitae), Labcorp
Classification: Pathogenic for Autism spectrum disorder - epilepsy - arthrogryposis syndrome. Last evaluated: 2023-03-07. Review status: criteria provided, single submitter. Criteria: Invitae Variant Classification Sherloc (09022015). Collection method: clinical testing. Allele origin: germline.
Comment: This sequence change creates a premature translational stop signal (p.Trp205Aspfs*22) in the SLC35A3 gene. It is expected to result in an absent or disrupted protein product. Loss-of-function variants in SLC35A3 are known to be pathogenic (PMID: 24031089, 28328131). This variant is not present in population databases (gnomAD no frequency). This variant has not been reported in the literature in individuals affected with SLC35A3-related conditions. For these reasons, this variant has been classified as Pathogenic.

Literature cited by the submitters: PubMed 24031089; PubMed 28328131.

NM_012243.3(SLC35A3):c.609_610del (p.Trp205fs)

Gene: SLC35A3 (solute carrier family 35 member A3; plus strand). Cytogenetic location: 1p21.2.
Variant type: Deletion.
Coding change: c.609_610del on transcript NM_012243.3 (MANE Select); coding-DNA positions 609 to 610, 2 bases deleted (AG; older notation c.609_610delAG).
Protein change: p.Trp205fs; shifts the reading frame from tryptophan 205.
Molecular consequence: frameshift variant.
Genome position (GRCh38, 1-based): chr1:100,011,508-100,011,509, AG deleted. VCF-style (leftmost placement, unchanged base first): chr1-100011507-CAG-C. GRCh37 (hg19) VCF-style: chr1-100477063-CAG-C.
Other names: c.609_610del, p.Trp205fs (NM_001271684.2); c.735_736del, p.Trp247fs (NM_001271685.2); short protein forms W247fs, W205fs.
Identifiers: ClinVar variation 2843303 (VCV002843303.3), dbSNP rs1659636825, ClinGen allele CA1004948918.